The following is an entry in ClinVar:

NM_000051.4(ATM):c.3331C>T (p.Leu1111Phe)

Gene: ATM (ATM serine/threonine kinase; plus strand). Cytogenetic location: 11q22.3.
Variant type: single nucleotide variant.
Coding change: c.3331C>T on transcript NM_000051.4 (MANE Select); coding-DNA position 3331, C replaced by T.
Protein change: p.Leu1111Phe; replaces leucine 1111 with phenylalanine.
Molecular consequence: missense variant.
Genome position (GRCh38, 1-based): chr11:108,279,537, C>T. VCF-style: chr11-108279537-C-T. GRCh37 (hg19) VCF-style: chr11-108150264-C-T.
Other names: c.3331C>T, p.Leu1111Phe (NM_001351834.2); short protein forms L1111F.
Identifiers: ClinVar variation 1730323 (VCV001730323.5), dbSNP rs587779832, ClinGen allele CA382517558.

ClinVar aggregate classification (germline): Uncertain significance. Review status: criteria provided, multiple submitters, no conflicts (2 of 4 stars). 2 submissions from 2 submitters: Uncertain significance (2). Last evaluated 2022-12-12.

Conditions:
Hereditary cancer-predisposing syndrome. Also called: Neoplastic Syndromes, Hereditary; Tumor predisposition; Hereditary Cancer Syndrome; Hereditary neoplastic syndrome. Identifiers: Orphanet 140162, MedGen C0027672, MeSH D009386, MONDO:0015356.
Ataxia-telangiectasia syndrome (AT). Also called: LOUIS-BAR SYNDROME; Cerebello-oculocutaneous telangiectasia; Immunodeficiency with ataxia telangiectasia; Ataxia-telangiectasia, complementation group D; AT, COMPLEMENTATION GROUP C; ATAXIA-TELANGIECTASIA, COMPLEMENTATION GROUP A. Identifiers: Orphanet 100, MedGen C0004135, MONDO:0008840, OMIM 208900.

gnomAD v4.1: 1 of 1,613,762 alleles (0.000062%); highest among the groups gnomAD compares: South Asian, 0.0011%; no homozygotes.

Submissions (2):

Labcorp Genetics (formerly Invitae), Labcorp
Classification: Uncertain significance for Ataxia-telangiectasia syndrome. Last evaluated: 2022-12-12. Review status: criteria provided, single submitter. Criteria: Invitae Variant Classification Sherloc (09022015). Collection method: clinical testing. Allele origin: germline.
Comment: In summary, the available evidence is currently insufficient to determine the role of this variant in disease. Therefore, it has been classified as a Variant of Uncertain Significance. Algorithms developed to predict the effect of missense changes on protein structure and function output the following: SIFT: "Tolerated"; PolyPhen-2: "Benign"; Align-GVGD: "Class C0". The phenylalanine amino acid residue is found in multiple mammalian species, which suggests that this missense change does not adversely affect protein function. ClinVar contains an entry for this variant (Variation ID: 1730323). This variant has not been reported in the literature in individuals affected with ATM-related conditions. This variant is not present in population databases (gnomAD no frequency). This sequence change replaces leucine, which is neutral and non-polar, with phenylalanine, which is neutral and non-polar, at codon 1111 of the ATM protein (p.Leu1111Phe).

Ambry Genetics
Classification: Uncertain significance for Hereditary cancer-predisposing syndrome. Last evaluated: 2021-12-12. Review status: criteria provided, single submitter. Criteria: Ambry Variant Classification Scheme 2023. Collection method: clinical testing. Allele origin: germline.
Comment: The p.L1111F variant (also known as c.3331C>T), located in coding exon 22 of the ATM gene, results from a C to T substitution at nucleotide position 3331. The leucine at codon 1111 is replaced by phenylalanine, an amino acid with highly similar properties. This amino acid position is conserved. In addition, this alteration is predicted to be tolerated by in silico analysis. Since supporting evidence is limited at this time, the clinical significance of this alteration remains unclear.